The following is an entry in ClinVar:

NM_000444.6(PHEX):c.1966-1G>T

Genes: PHEX (phosphate regulating endopeptidase X-linked; plus strand), PTCHD1-AS (PTCHD1 and PHEX antisense RNA; minus strand). Cytogenetic location: Xp22.11.
Variant type: single nucleotide variant.
Coding change: c.1966-1G>T on transcript NM_000444.6 (MANE Select); the canonical splice acceptor site of the intron before coding-DNA position 1966, G replaced by T.
Molecular consequence: splice acceptor variant. On other transcripts: non-coding transcript variant (1).
Genome position (GRCh38, 1-based): chrX:22,227,506, G>T. VCF-style: chrX-22227506-G-T. GRCh37 (hg19) VCF-style: chrX-22245623-G-T.
Other names: c.1966-1G>T (NM_001282754.2).
Identifiers: ClinVar variation 1029848 (VCV001029848.3), dbSNP rs1064795147, ClinGen allele CA412574279.

ClinVar aggregate classification (germline): Pathogenic/Likely pathogenic. Review status: criteria provided, multiple submitters, no conflicts (2 of 4 stars). 2 submissions from 2 submitters: Pathogenic (1); Likely pathogenic (1). Last evaluated 2024-01-12.

Conditions:
Familial X-linked hypophosphatemic vitamin D refractory rickets (XLHRD). Also called: X-Linked Hypophosphatemia; HYPOPHOSPHATEMIC VITAMIN D-RESISTANT RICKETS; Hypophosphatemic Rickets, X-Linked Dominant; Hypophosphatemia, vitamin D-resistant rickets; Vitamin D-resistant rickets, X-linked. Identifiers: Orphanet 89936, MedGen C0733682, MONDO:0010619, OMIM 307800.

Submissions (2):

Genomic Medicine Center of Excellence, King Faisal Specialist Hospital and Research Centre
Classification: Pathogenic for Familial X-linked hypophosphatemic vitamin D refractory rickets. Last evaluated: 2024-01-12. Review status: criteria provided, single submitter. Criteria: ACMG Guidelines, 2015. Collection method: clinical testing. Allele origin: germline.

Baylor Genetics
Classification: Likely pathogenic for Familial X-linked hypophosphatemic vitamin D refractory rickets. Last evaluated: 2020-06-10. Review status: criteria provided, single submitter. Criteria: ACMG Guidelines, 2015. Collection method: clinical testing. Allele origin: unknown. Affected: yes.
Comment: This variant was determined to be likely pathogenic according to ACMG Guidelines, 2015 [PMID:25741868].